The following is an entry in ClinVar:

ClinVar aggregate classification (germline): Uncertain significance (1 of 4 stars; one submission).

Conditions:
Acute myeloid leukemia (AML). Also called: Acute myeloid leukemia, adult; AML adult; Acute non-lymphocytic leukemia; Acute granulocytic leukemia; Leukemia, acute myelogenous, somatic; Leukemia, acute myeloid, somatic. Identifiers: Orphanet 519, MedGen C0023467, MeSH D015470, MONDO:0018874, OMIM 601626, HP:0004808. Disease mechanism: Constitutively activated FLT3.

Submission:

Labcorp Genetics (formerly Invitae), Labcorp
Classification: Uncertain significance for Acute myeloid leukemia. Last evaluated: 2024-05-11. Review status: criteria provided, single submitter. Criteria: Invitae Variant Classification Sherloc (09022015). Collection method: clinical testing. Allele origin: germline.
Comment: This sequence change replaces glycine, which is neutral and non-polar, with aspartic acid, which is acidic and polar, at codon 38 of the CEBPA protein (p.Gly38Asp). This variant is not present in population databases (gnomAD no frequency). This variant has not been reported in the literature in individuals affected with CEBPA-related conditions. ClinVar contains an entry for this variant (Variation ID: 1017831). An algorithm developed to predict the effect of missense changes on protein structure and function (PolyPhen-2) suggests that this variant is likely to be tolerated. In summary, the available evidence is currently insufficient to determine the role of this variant in disease. Therefore, it has been classified as a Variant of Uncertain Significance.

NM_004364.5(CEBPA):c.113G>A (p.Gly38Asp)

Gene: CEBPA (CCAAT enhancer binding protein alpha; minus strand). Cytogenetic location: 19q13.11.
Variant type: single nucleotide variant.
Coding change: c.113G>A on transcript NM_004364.5 (MANE Select); coding-DNA position 113, G replaced by A.
Protein change: p.Gly38Asp; replaces glycine 38 with aspartic acid.
Molecular consequence: missense variant. On other transcripts: 5 prime UTR variant (1).
Genome position (GRCh38, 1-based): chr19:33,302,302, C>T on the plus strand (G>A on the coding strand, the complement: CEBPA is on the minus strand). VCF-style: chr19-33302302-C-T. GRCh37 (hg19) VCF-style: chr19-33793208-C-T.
Other names: c.-245G>A (NM_001285829.2); c.218G>A, p.Gly73Asp (NM_001287424.2); c.71G>A, p.Gly24Asp (NM_001287435.2); short protein forms G24D, G38D, G73D.
Identifiers: ClinVar variation 1017831 (VCV001017831.7), dbSNP rs1967199337, ClinGen allele CA405275649.
Genomic context (GRCh38, chr19:33,302,302, plus strand): 5'-TGCTCGCAGATGCCGCCCAGCGGCTCCGGGGCGGCAGGTGGGGCGGGAGGCTGCGCGGGG[C>T]CCGCGCCCCGGGGAAAGCCGAAGGCGGCGCTGCTGGGCGCGTGCGGGGGGCTCTGCAGGT-3'
Protein context (NP_004355.2, residues 28-48): SAAFGFPRGA[Gly38Asp]PAQPPAPPAA